The following is an entry in ClinVar:

ClinVar aggregate classification (germline): Uncertain significance (1 of 4 stars; one submission).

Conditions:
Familial thoracic aortic aneurysm and aortic dissection (TAAD). Also called: Thoracic aortic aneurysms and dissections. Identifiers: Orphanet 91387, MedGen C4707243, MONDO:0019625.

Allele frequency attached by ClinVar (database versions not stated): gnomAD 0.00001.

Submission:

Ambry Genetics
Classification: Uncertain significance for Familial thoracic aortic aneurysm and aortic dissection. Last evaluated: 2023-06-22. Review status: criteria provided, single submitter. Criteria: Ambry Variant Classification Scheme 2023. Collection method: clinical testing. Allele origin: germline.
Comment: The p.S1389I variant (also known as c.4166G>T), located in coding exon 25 of the NOTCH1 gene, results from a G to T substitution at nucleotide position 4166. The serine at codon 1389 is replaced by isoleucine, an amino acid with dissimilar properties. This amino acid position is conserved. In addition, this alteration is predicted to be tolerated by in silico analysis. Since supporting evidence is limited at this time, the clinical significance of this alteration remains unclear.

NM_017617.5(NOTCH1):c.4166G>T (p.Ser1389Ile)

Gene: NOTCH1 (notch receptor 1; minus strand). Cytogenetic location: 9q34.3.
Variant type: single nucleotide variant.
Coding change: c.4166G>T on transcript NM_017617.5 (MANE Select); coding-DNA position 4166, G replaced by T.
Protein change: p.Ser1389Ile; replaces serine 1389 with isoleucine.
Molecular consequence: missense variant.
Genome position (GRCh38, 1-based): chr9:136,505,730, C>A on the plus strand (G>T on the coding strand, the complement: NOTCH1 is on the minus strand). VCF-style: chr9-136505730-C-A. GRCh37 (hg19) VCF-style: chr9-139400182-C-A.
Other names: short protein forms S1389I.
Identifiers: ClinVar variation 2586742 (VCV002586742.2), dbSNP rs1159134576, ClinGen allele CA375649415.